The following is an entry in ClinVar:

ClinVar aggregate classification (germline): Uncertain significance. Review status: criteria provided, single submitter (1 of 4 stars). 2 submissions from 2 submitters: Uncertain significance (1). 1 of the submissions does not count toward it. Last evaluated 2024-06-10.

Conditions:
ATR-related disorder. Also called: ATR-related condition.

Allele frequency attached by ClinVar (database versions not stated): gnomAD exomes 0.00001 and 0.00004; ExAC 0.00003; gnomAD 0.00009 and 0.00011; TOPMed 0.00016; ESP Exome Variant Server 0.00031.
gnomAD v4.1: 28 of 1,613,254 alleles (0.0017%); highest among the groups gnomAD compares: African/African-American, 0.032%; no homozygotes.

Submissions (2):

Labcorp Genetics (formerly Invitae), Labcorp
Classification: Uncertain significance. Last evaluated: 2024-06-10. Review status: criteria provided, single submitter. Criteria: Invitae Variant Classification Sherloc (09022015). Collection method: clinical testing. Allele origin: germline.
Comment: This sequence change falls in intron 18 of the ATR gene. It does not directly change the encoded amino acid sequence of the ATR protein. It affects a nucleotide within the consensus splice site. This variant is present in population databases (rs371344698, gnomAD 0.03%). This variant has not been reported in the literature in individuals affected with ATR-related conditions. ClinVar contains an entry for this variant (Variation ID: 864235). Variants that disrupt the consensus splice site are a relatively common cause of aberrant splicing (PMID: 17576681, 9536098). Algorithms developed to predict the effect of sequence changes on RNA splicing suggest that this variant is not likely to affect RNA splicing. In summary, the available evidence is currently insufficient to determine the role of this variant in disease. Therefore, it has been classified as a Variant of Uncertain Significance.

PreventionGenetics, part of Exact Sciences
Classification: Likely benign for ATR-related condition. Last evaluated: 2023-08-29. Review status: no assertion criteria provided. Collection method: clinical testing. Allele origin: germline. Not counted in ClinVar's aggregate classification.
Comment: This variant is classified as likely benign based on ACMG/AMP sequence variant interpretation guidelines (Richards et al. 2015 PMID: 25741868, with internal and published modifications).

Literature cited by the submitters: PubMed 17576681 (cited by Labcorp Genetics (formerly Invitae), Labcorp); PubMed 9536098 (cited by Labcorp Genetics (formerly Invitae), Labcorp).

NM_001184.4(ATR):c.3582-3T>C

Gene: ATR (ATR checkpoint kinase; minus strand). Cytogenetic location: 3q23.
Variant type: single nucleotide variant.
Coding change: c.3582-3T>C on transcript NM_001184.4 (MANE Select); 3 bases into the intron before coding-DNA position 3582, T replaced by C.
Molecular consequence: intron variant.
Genome position (GRCh38, 1-based): chr3:142,538,628, A>G on the plus strand (T>C on the coding strand, the complement: ATR is on the minus strand). VCF-style: chr3-142538628-A-G. GRCh37 (hg19) VCF-style: chr3-142257470-A-G.
Other names: c.3390-3T>C (NM_001354579.2).
Identifiers: ClinVar variation 864235 (VCV000864235.9), dbSNP rs371344698, ClinGen allele CA2650051.
Genomic context (GRCh38, chr3:142,538,628, plus strand): 5'-ACTGAGAAGGGAGCCCAGACAAGCATGATCCAGGCAGCGAACAAAGCAGTCCCAAGCTCT[A>G]TGTGAAAAAACAAATAGAAATGAAGTCCAATTACTTTTATTATTTGTAAAGCTCTATCAA-3'